The following is an entry in ClinVar:

ClinVar aggregate classification (germline): Benign. Review status: criteria provided, multiple submitters, no conflicts (2 of 4 stars). 5 submissions from 5 submitters: Benign (5). Last evaluated 2026-02-02.

Conditions:
Familial hemophagocytic lymphohistiocytosis 4 (FHL4). Also called: STX11-Related Familial Hemophagocytic Lymphohistiocytosis (STX11-fHLH). Identifiers: Orphanet 540, MedGen C1863728, MONDO:0011336, OMIM 603552.
Autoinflammatory syndrome. Identifiers: Orphanet 93665, MedGen C3890737, MONDO:0019751.

Allele frequency attached by ClinVar (database versions not stated): ExAC 0.01113; gnomAD 0.03523 and 0.03773; TOPMed 0.03904; ESP Exome Variant Server 0.04076; 1000 Genomes Project 0.04133; 1000 Genomes Project 30x 0.04357.
gnomAD v4.1: 11,124 of 1,611,902 alleles (0.69%); highest among the groups gnomAD compares: African/African-American, 12%; 628 homozygotes.

Submissions (5):

Labcorp Genetics (formerly Invitae), Labcorp
Classification: Benign for Familial hemophagocytic lymphohistiocytosis 4. Last evaluated: 2026-02-02. Review status: criteria provided, single submitter. Criteria: Invitae Variant Classification Sherloc (09022015). Collection method: clinical testing. Allele origin: germline.

Mayo Clinic Laboratories, Mayo Clinic
Classification: Benign. Last evaluated: 2024-02-08. Review status: criteria provided, single submitter. Criteria: ACMG Guidelines, 2015. Collection method: clinical testing. Allele origin: germline. Observed: 19 variant alleles.

Genome Diagnostics Laboratory, The Hospital for Sick Children
Classification: Benign for Autoinflammatory syndrome. Last evaluated: 2022-02-04. Review status: criteria provided, single submitter. Criteria: ACMG Guidelines, 2015. Collection method: clinical testing. Allele origin: germline. Affected: yes.

Illumina Laboratory Services, Illumina
Classification: Benign for Familial hemophagocytic lymphohistiocytosis 4. Last evaluated: 2018-01-12. Review status: criteria provided, single submitter. Criteria: ICSL Variant Classification Criteria 13 December 2019. Collection method: clinical testing. Allele origin: germline.
Comment: This variant was observed in the ICSL laboratory as part of a predisposition screen in an ostensibly healthy population. It had not been previously curated by ICSL or reported in the Human Gene Mutation Database (HGMD: prior to June 1st, 2018), and was therefore a candidate for classification through an automated scoring system. Utilizing variant allele frequency, disease prevalence and penetrance estimates, and inheritance mode, an automated score was calculated to assess if this variant is too frequent to cause the disease. Based on the score and internal cut-off values, a variant classified as benign is not then subjected to further curation. The score for this variant resulted in a classification of benign for this disease.

PreventionGenetics, part of Exact Sciences
Classification: Benign. Review status: criteria provided, single submitter. Criteria: ACMG Guidelines, 2015. Collection method: clinical testing. Allele origin: germline.

NM_003764.4(STX11):c.829A>G (p.Thr277Ala)

Gene: STX11 (syntaxin 11; plus strand). Cytogenetic location: 6q24.2.
Variant type: single nucleotide variant.
Coding change: c.829A>G on transcript NM_003764.4 (MANE Select); coding-DNA position 829, A replaced by G.
Protein change: p.Thr277Ala; replaces threonine 277 with alanine.
Molecular consequence: missense variant.
Genome position (GRCh38, 1-based): chr6:144,187,456, A>G. VCF-style: chr6-144187456-A-G. GRCh37 (hg19) VCF-style: chr6-144508593-A-G.
Other names: c.829A>G (LRG_113t1); short protein forms T277A.
Identifiers: ClinVar variation 259164 (VCV000259164.19), dbSNP rs9496891, ClinGen allele CA4031802.